The following is an entry in ClinVar:

NM_198578.4(LRRK2):c.7532T>A (p.Ile2511Asn)

Gene: LRRK2 (leucine rich repeat kinase 2; plus strand). Cytogenetic location: 12q12.
Variant type: single nucleotide variant.
Coding change: c.7532T>A on transcript NM_198578.4 (MANE Select); coding-DNA position 7532, T replaced by A.
Protein change: p.Ile2511Asn; replaces isoleucine 2511 with asparagine.
Molecular consequence: missense variant.
Genome position (GRCh38, 1-based): chr12:40,367,713, T>A. VCF-style: chr12-40367713-T-A. GRCh37 (hg19) VCF-style: chr12-40761515-T-A.
Other names: short protein forms I2511N.
Identifiers: ClinVar variation 1759389 (VCV001759389.2), dbSNP rs201312806, ClinGen allele CA6514974.

ClinVar aggregate classification (germline): Uncertain significance (1 of 4 stars; one submission).

Conditions:
Inborn genetic diseases. Identifiers: MedGen C0950123, MeSH D030342.

Allele frequency attached by ClinVar (database versions not stated): gnomAD 0.00001; ExAC 0.00002.
gnomAD v4.1: 8 of 1,604,706 alleles (0.0005%); highest among the groups gnomAD compares: South Asian, 0.0022%; no homozygotes.

Submission:

Ambry Genetics
Classification: Uncertain significance for Inborn genetic diseases. Last evaluated: 2021-07-23. Review status: criteria provided, single submitter. Criteria: Ambry Variant Classification Scheme 2023. Collection method: clinical testing. Allele origin: germline.
Comment: The p.I2511N variant (also known as c.7532T>A), located in coding exon 51 of the LRRK2 gene, results from a T to A substitution at nucleotide position 7532. The isoleucine at codon 2511 is replaced by asparagine, an amino acid with dissimilar properties. This amino acid position is conserved. In addition, this alteration is predicted to be tolerated by in silico analysis. Since supporting evidence is limited at this time, the clinical significance of this alteration remains unclear.